The following is an entry in ClinVar:

ClinVar aggregate classification (germline): Uncertain significance. Review status: criteria provided, multiple submitters, no conflicts (2 of 4 stars). 5 submissions from 5 submitters: Uncertain significance (5). Last evaluated 2023-10-12.

Conditions:
Hyperlipoproteinemia, type I. Also called: HYPERLIPOPROTEINEMIA, TYPE IA; LPL DEFICIENCY; Lipoprotein Lipase Deficiency; Hyperlipoproteinemia type 1; Hyperchylomicro-nemia familial; Familial chylomicronemia. Identifiers: Orphanet 309015, Orphanet 444490, MedGen C0023817, MONDO:0009387, OMIM 238600. Disease mechanism: loss of function.

Allele frequency attached by ClinVar (database versions not stated): ExAC 0.00011; gnomAD exomes 0.00008; TOPMed 0.00008; ESP Exome Variant Server 0.00015.
gnomAD v4.1: 117 of 1,614,002 alleles (0.0072%); highest among the groups gnomAD compares: Non-Finnish European, 0.0093%; no homozygotes.

Submissions (5):

Women's Health and Genetics/Laboratory Corporation of America, LabCorp
Classification: Uncertain significance. Last evaluated: 2023-10-12. Review status: criteria provided, single submitter. Criteria: LabCorp Variant Classification Summary - May 2015. Collection method: clinical testing. Allele origin: germline.
Comment: Variant summary: LPL c.134C>A (p.Thr45Asn) results in a non-conservative amino acid change located in the Lipase domain (IPR013818) of the encoded protein sequence. Four of four in-silico tools predict a damaging effect of the variant on protein function. The variant allele was found at a frequency of 7.6e-05 in 251492 control chromosomes (gnomAD). This frequency is not significantly higher than estimated for a pathogenic variant in LPL causing Familial Lipoprotein Lipase Deficiency (7.6e-05 vs 0.0034), allowing no conclusion about variant significance. c.134C>A has been reported in the literature in at least one individual affected with Familial Lipoprotein Lipase Deficiency (Geller_2018). The report does not provide unequivocal conclusions about association of the variant with Familial Lipoprotein Lipase Deficiency. To our knowledge, no experimental evidence demonstrating an impact on protein function has been reported. The following publications have been ascertained in the context of this evaluation (PMID: 30333156, 28267856, 35309119). Three submitters have cited clinical-significance assessments for this variant to ClinVar after 2014. All submitters classified the variant as uncertain significance. Based on the evidence outlined above, the variant was classified as uncertain significance.

Clinical Genetics Laboratory, Skane University Hospital Lund
Classification: Uncertain significance. Last evaluated: 2023-02-06. Review status: criteria provided, single submitter. Criteria: ACMG Guidelines, 2015. Collection method: clinical testing. Allele origin: germline. Affected: yes.

Mendelics
Classification: Uncertain significance. Last evaluated: 2022-05-04. Review status: criteria provided, single submitter. Criteria: Mendelics Assertion Criteria 2019. Collection method: clinical testing. Allele origin: germline.

Labcorp Genetics (formerly Invitae), Labcorp
Classification: Uncertain significance. Last evaluated: 2022-05-01. Review status: criteria provided, single submitter. Criteria: Invitae Variant Classification Sherloc (09022015). Collection method: clinical testing. Allele origin: germline.
Comment: This sequence change replaces threonine, which is neutral and polar, with asparagine, which is neutral and polar, at codon 45 of the LPL protein (p.Thr45Asn). This variant is present in population databases (rs143944126, gnomAD 0.01%). This missense change has been observed in individual(s) with LPL-related conditions (PMID: 30333156). ClinVar contains an entry for this variant (Variation ID: 908634). Algorithms developed to predict the effect of missense changes on protein structure and function are either unavailable or do not agree on the potential impact of this missense change (SIFT: "Deleterious"; PolyPhen-2: "Benign"; Align-GVGD: "Class C55"). In summary, the available evidence is currently insufficient to determine the role of this variant in disease. Therefore, it has been classified as a Variant of Uncertain Significance.

Illumina Laboratory Services, Illumina
Classification: Uncertain significance for Hyperlipoproteinemia, type I. Last evaluated: 2017-04-28. Review status: criteria provided, single submitter. Criteria: ICSL Variant Classification Criteria 13 December 2019. Collection method: clinical testing. Allele origin: germline.

Literature cited by the submitters: PubMed 30333156 (cited by Women's Health and Genetics/Laboratory Corporation of America, LabCorp and Labcorp Genetics (formerly Invitae), Labcorp); PubMed 28267856 (cited by Women's Health and Genetics/Laboratory Corporation of America, LabCorp); PubMed 35309119 (cited by Women's Health and Genetics/Laboratory Corporation of America, LabCorp).

NM_000237.3(LPL):c.134C>A (p.Thr45Asn)

Gene: LPL (lipoprotein lipase; plus strand). Cytogenetic location: 8p21.3.
Variant type: single nucleotide variant.
Coding change: c.134C>A on transcript NM_000237.3 (MANE Select); coding-DNA position 134, C replaced by A.
Protein change: p.Thr45Asn; replaces threonine 45 with asparagine.
Molecular consequence: missense variant.
Genome position (GRCh38, 1-based): chr8:19,948,225, C>A. VCF-style: chr8-19948225-C-A. GRCh37 (hg19) VCF-style: chr8-19805736-C-A.
Other names: short protein forms T45N.
Identifiers: ClinVar variation 908634 (VCV000908634.8), dbSNP rs143944126, ClinGen allele CA4655323.